The following is an entry in ClinVar:

NM_001395159.1(UNC79):c.1233T>G (p.His411Gln)

Gene: UNC79 (unc-79 homolog, NALCN channel complex subunit; plus strand). Cytogenetic location: 14q32.12.
Variant type: single nucleotide variant.
Coding change: c.1233T>G on transcript NM_001395159.1 (MANE Select); coding-DNA position 1233, T replaced by G.
Protein change: p.His411Gln; replaces histidine 411 with glutamine.
Molecular consequence: missense variant.
Genome position (GRCh38, 1-based): chr14:93,538,099, T>G. VCF-style: chr14-93538099-T-G. GRCh37 (hg19) VCF-style: chr14-94004445-T-G.
Other names: c.1233T>G, p.His411Gln (NM_001346218.2); c.702T>G, p.His234Gln (NM_020818.5); short protein forms H234Q, H411Q.
Identifiers: ClinVar variation 3371782 (VCV003371782.1).
Genomic context (GRCh38, chr14:93,538,099, plus strand): 5'-GTGCTGTGGTCGTCACGGAAACAGGCCTGTTCGGTACTGCAAGAGGTGCCACTCAAATCA[T>G]CACAGTAATGAAGTGGGGGCCGCTGCGGAGACTCACCTCTATCAGACCTCTCCTCCGCCC-3'
Protein context (NP_001382088.1, residues 401-421): VRYCKRCHSN[His411Gln]HSNEVGAAAE

ClinVar aggregate classification (germline): Uncertain significance (1 of 4 stars; one submission).

Submission:

GeneDx
Classification: Uncertain significance. Last evaluated: 2024-04-12. Review status: criteria provided, single submitter. Criteria: GeneDx Variant Classification Process June 2021. Collection method: clinical testing. Allele origin: germline. Affected: yes.
Comment: Not observed at significant frequency in large population cohorts (gnomAD); In silico analysis indicates that this missense variant does not alter protein structure/function; Has not been previously published as pathogenic or benign to our knowledge